The following is an entry in ClinVar:

ClinVar aggregate classification (germline): Uncertain significance (1 of 4 stars; one submission).

Allele frequency attached by ClinVar (database versions not stated): gnomAD exomes below 0.00001 and 0.00001; TOPMed below 0.00001; ExAC 0.00001; gnomAD 0.00001.
gnomAD v4.1: 5 of 1,614,032 alleles (0.00031%); highest among the groups gnomAD compares: Admixed American, 0.0033%; no homozygotes.

Submission:

Labcorp Genetics (formerly Invitae), Labcorp
Classification: Uncertain significance. Last evaluated: 2021-11-30. Review status: criteria provided, single submitter. Criteria: Invitae Variant Classification Sherloc (09022015). Collection method: clinical testing. Allele origin: germline.
Comment: In summary, the available evidence is currently insufficient to determine the role of this variant in disease. Therefore, it has been classified as a Variant of Uncertain Significance. Algorithms developed to predict the effect of sequence changes on RNA splicing suggest that this variant may create or strengthen a splice site. This variant has not been reported in the literature in individuals affected with RNF168-related conditions. This variant is present in population databases (rs766657671, gnomAD 0.003%). This sequence change creates a premature translational stop signal (p.Lys455*) in the RNF168 gene. While this is not anticipated to result in nonsense mediated decay, it is expected to disrupt the last 117 amino acid(s) of the RNF168 protein.

NM_152617.4(RNF168):c.1363A>T (p.Lys455Ter)

Gene: RNF168 (ring finger protein 168; minus strand). Cytogenetic location: 3q29.
Variant type: single nucleotide variant.
Coding change: c.1363A>T on transcript NM_152617.4 (MANE Select); coding-DNA position 1363, A replaced by T.
Protein change: p.Lys455Ter; replaces lysine 455 with a stop codon.
Molecular consequence: nonsense.
Genome position (GRCh38, 1-based): chr3:196,472,172, T>A on the plus strand (A>T on the coding strand, the complement: RNF168 is on the minus strand). VCF-style: chr3-196472172-T-A. GRCh37 (hg19) VCF-style: chr3-196199043-T-A.
Other names: short protein forms K455*.
Identifiers: ClinVar variation 1448065 (VCV001448065.4), dbSNP rs766657671, ClinGen allele CA2780670.